The following is an entry in ClinVar:

NM_001374736.1(DST):c.3186+220TG[4]

Gene: DST (dystonin; minus strand). Cytogenetic location: 6p12.1.
Variant type: Microsatellite.
Coding change: c.3186+220TG[4] on transcript NM_001374736.1 (MANE Select); four copies in a row of the 2-base unit TG starting at c.3186+220; the reference has seven copies in a row; three copies, 6 bases deleted.
Molecular consequence: intron variant.
Genome position (GRCh38, 1-based): chr6:56,635,356-56,635,361, CACACA deleted on the plus strand (TGTGTG on the coding strand, the reverse complement: DST is on the minus strand); deleting any 6 consecutive bases within chr6:56,635,356-56,635,370 gives the same sequence; the position shown is the placement nearest the transcript's 3' end. VCF-style (leftmost placement, unchanged base first): chr6-56635355-GCACACA-G. GRCh37 (hg19) VCF-style: chr6-56500153-GCACACA-G.
Other names: c.3087+220TG[4] (NM_001144769.5); c.3186+220TG[4] (NM_001374722.1); c.3213+220TG[4] (NM_001374734.1); c.2673+220TG[4] (NM_001144770.2); c.2553+220TG[4] (NM_001374730.1, NM_001386100.1, NM_183380.4 and 1 more transcripts); c.1575+220TG[4] (NM_015548.5, NM_001723.7).
Identifiers: ClinVar variation 1804494 (VCV001804494.1), dbSNP rs541249771, ClinGen allele CA139217798.
Genomic context (GRCh38, chr6:56,635,355, plus strand): 5'-GCCCAGGATATATTAAGAACTTAAAAAGTATTTGCAAAATGAATAACTAAACACACACGT[GCACACA>G]CACACACACGACACTAAAAACCATCTTAAAATATCAAAGCTATCACATTAAAAAAACACT-3'

ClinVar aggregate classification (germline): Likely benign (1 of 4 stars; one submission).

Submission:

GeneDx
Classification: Likely benign. Last evaluated: 2021-05-25. Review status: criteria provided, single submitter. Criteria: GeneDx Variant Classification Process June 2021. Collection method: clinical testing. Allele origin: germline. Affected: yes.
Comment: See Variant Classification Assertion Criteria.